The following is an entry in ClinVar:

ClinVar aggregate classification (germline): Uncertain significance (1 of 4 stars; one submission).

Conditions:
Familial thoracic aortic aneurysm and aortic dissection (TAAD). Also called: Thoracic aortic aneurysms and dissections. Identifiers: Orphanet 91387, MedGen C4707243, MONDO:0019625.

Submission:

Ambry Genetics
Classification: Uncertain significance for Familial thoracic aortic aneurysm and aortic dissection. Last evaluated: 2025-08-19. Review status: criteria provided, single submitter. Criteria: Ambry Variant Classification Scheme 2023. Collection method: clinical testing. Allele origin: germline.
Comment: The p.Q12R variant (also known as c.35A>G), located in coding exon 1 of the SKI gene, results from an A to G substitution at nucleotide position 35. The glutamine at codon 12 is replaced by arginine, an amino acid with highly similar properties. This amino acid position is conserved. In addition, the in silico prediction for this alteration is inconclusive. Based on the available evidence, the clinical significance of this variant remains unclear.

NM_003036.4(SKI):c.35A>G (p.Gln12Arg)

Gene: SKI (SKI proto-oncogene; plus strand). Cytogenetic location: 1p36.33.
Variant type: single nucleotide variant.
Coding change: c.35A>G on transcript NM_003036.4 (MANE Select); coding-DNA position 35, A replaced by G.
Protein change: p.Gln12Arg; replaces glutamine 12 with arginine.
Molecular consequence: missense variant.
Genome position (GRCh38, 1-based): chr1:2,228,801, A>G. VCF-style: chr1-2228801-A-G. GRCh37 (hg19) VCF-style: chr1-2160240-A-G.
Other names: short protein forms Q12R.
Identifiers: ClinVar variation 4165720 (VCV004165720.1).
Genomic context (GRCh38, chr1:2,228,801, plus strand): 5'-AGCGGCCGGGGGAGCCGGAGCGCACCATGGAGGCGGCGGCAGGCGGCCGCGGCTGTTTCC[A>G]GCCGCACCCGGGGCTGCAGAAGACGCTGGAGCAGTTCCACCTGAGCTCCATGAGCTCGCT-3'
Protein context (NP_003027.1, residues 2-22): EAAAGGRGCF[Gln12Arg]PHPGLQKTLE